The following is an entry in ClinVar:

NM_003072.5(SMARCA4):c.1726G>T (p.Val576Phe)

Gene: SMARCA4 (SWI/SNF related BAF chromatin remodeling complex subunit ATPase 4; plus strand). Cytogenetic location: 19p13.2.
Variant type: single nucleotide variant.
Coding change: c.1726G>T on transcript NM_003072.5 (MANE Select); coding-DNA position 1726, G replaced by T.
Protein change: p.Val576Phe; replaces valine 576 with phenylalanine.
Molecular consequence: missense variant. On other transcripts: non-coding transcript variant (1).
Genome position (GRCh38, 1-based): chr19:10,996,345, G>T. VCF-style: chr19-10996345-G-T. GRCh37 (hg19) VCF-style: chr19-11107021-G-T.
Other names: c.1726G>T, p.Val576Phe (NM_001128844.3, NM_001128845.2, NM_001128846.2 and 5 more transcripts); short protein forms V576F.
Identifiers: ClinVar variation 484911 (VCV000484911.15), dbSNP rs1555763737, ClinGen allele CA404064515.

ClinVar aggregate classification (germline): Conflicting classifications of pathogenicity. Review status: criteria provided, conflicting classifications (1 of 4 stars). 3 submissions from 3 submitters: Uncertain significance (2); Likely benign (1). Last evaluated 2024-09-27.

Conditions:
Rhabdoid tumor predisposition syndrome 2 (RTPS2). Identifiers: Orphanet 231108, Orphanet 69077, MedGen C2750074, MONDO:0013224, OMIM 613325.
Hereditary cancer-predisposing syndrome. Also called: Neoplastic Syndromes, Hereditary; Tumor predisposition; Hereditary Cancer Syndrome; Hereditary neoplastic syndrome. Identifiers: Orphanet 140162, MedGen C0027672, MeSH D009386, MONDO:0015356.

Allele frequency attached by ClinVar (database versions not stated): gnomAD exomes below 0.00001.
gnomAD v4.1: 1 of 1,614,232 alleles (0.000062%); highest among the groups gnomAD compares: Non-Finnish European, 0.000085%; no homozygotes.

Submissions (3):

Ambry Genetics
Classification: Likely benign for Hereditary cancer-predisposing syndrome. Last evaluated: 2024-09-27. Review status: criteria provided, single submitter. Criteria: Ambry Variant Classification Scheme 2023. Collection method: clinical testing. Allele origin: germline.

Labcorp Genetics (formerly Invitae), Labcorp
Classification: Uncertain significance for Rhabdoid tumor predisposition syndrome 2. Last evaluated: 2024-08-14. Review status: criteria provided, single submitter. Criteria: Invitae Variant Classification Sherloc (09022015). Collection method: clinical testing. Allele origin: germline.
Comment: This sequence change replaces valine, which is neutral and non-polar, with phenylalanine, which is neutral and non-polar, at codon 576 of the SMARCA4 protein (p.Val576Phe). This variant is not present in population databases (gnomAD no frequency). This variant has not been reported in the literature in individuals affected with SMARCA4-related conditions. ClinVar contains an entry for this variant (Variation ID: 484911). Invitae Evidence Modeling of protein sequence and biophysical properties (such as structural, functional, and spatial information, amino acid conservation, physicochemical variation, residue mobility, and thermodynamic stability) indicates that this missense variant is not expected to disrupt SMARCA4 protein function with a negative predictive value of 95%. In summary, the available evidence is currently insufficient to determine the role of this variant in disease. Therefore, it has been classified as a Variant of Uncertain Significance.

Baylor Genetics
Classification: Uncertain significance for Rhabdoid tumor predisposition syndrome 2. Last evaluated: 2024-03-19. Review status: criteria provided, single submitter. Criteria: ACMG Guidelines, 2015. Collection method: clinical testing. Allele origin: unknown.